The following is an entry in ClinVar:

NM_001376.5(DYNC1H1):c.7214G>A (p.Gly2405Glu)

Gene: DYNC1H1 (dynein cytoplasmic 1 heavy chain 1; plus strand). Cytogenetic location: 14q32.31.
Variant type: single nucleotide variant.
Coding change: c.7214G>A on transcript NM_001376.5 (MANE Select); coding-DNA position 7214, G replaced by A.
Protein change: p.Gly2405Glu; replaces glycine 2405 with glutamic acid.
Molecular consequence: missense variant.
Genome position (GRCh38, 1-based): chr14:102,015,304, G>A. VCF-style: chr14-102015304-G-A. GRCh37 (hg19) VCF-style: chr14-102481641-G-A.
Other names: short protein forms G2405E.
Identifiers: ClinVar variation 1308348 (VCV001308348.2), dbSNP rs2048307487, ClinGen allele CA391060452.

ClinVar aggregate classification (germline): Uncertain significance (1 of 4 stars; one submission).

Allele frequency attached by ClinVar (database versions not stated): TOPMed below 0.00001; gnomAD 0.00001.
gnomAD v4.1: 1 of 1,613,706 alleles (0.000062%); highest among the groups gnomAD compares: Non-Finnish European, 0.000085%; no homozygotes.

Submission:

GeneDx
Classification: Uncertain significance. Last evaluated: 2019-03-27. Review status: criteria provided, single submitter. Criteria: GeneDx Variant Classification Process June 2021. Collection method: clinical testing. Allele origin: germline. Affected: yes.
Comment: Not observed in large population cohorts (Lek et al., 2016); In silico analysis, which includes protein predictors and evolutionary conservation, supports that this variant does not alter protein structure/function; Has not been previously published as pathogenic or benign to our knowledge